The following is an entry in ClinVar:

NM_000529.2(MC2R):c.*1144G>A

Gene: MC2R (melanocortin 2 receptor; minus strand). Cytogenetic location: 18p11.21.
Variant type: single nucleotide variant.
Coding change: c.*1144G>A on transcript NM_000529.2 (MANE Select); 1144 bases downstream of the stop codon, G replaced by A.
Molecular consequence: 3 prime UTR variant.
Genome position (GRCh38, 1-based): chr18:13,883,481, C>T on the plus strand (G>A on the coding strand, the complement: MC2R is on the minus strand). VCF-style: chr18-13883481-C-T. GRCh37 (hg19) VCF-style: chr18-13883480-C-T.
Other names: c.*1144G>A (NM_001291911.1).
Identifiers: ClinVar variation 889234 (VCV000889234.4), dbSNP rs114107471, ClinGen allele CA296827897.
Genomic context (GRCh38, chr18:13,883,481, plus strand): 5'-TTTCCCAGTGACTGGGTCTGCTTTCACATTCATCTGCAGAATGAGGTGGTGTTTGCCTCC[C>T]TCAGGTCTTTGACTTGGGGCTATAATAACAGCACCATTGCTTGATGTCTTGCTTTGGTTT-3'

ClinVar aggregate classification (germline): Benign (1 of 4 stars; one submission).

Conditions:
Glucocorticoid deficiency 1 (GCCD1). Also called: Adrenal unresponsiveness to acth; Glucocorticoid deficiency, due to ACTH unresponsiveness; FAMILIAL GLUCOCORTICOID DEFICIENCY 1. Identifiers: Orphanet 361, MedGen C4049650, MONDO:0024536, OMIM 202200.

Allele frequency attached by ClinVar (database versions not stated): gnomAD 0.01032 and 0.01117; 1000 Genomes Project 0.01078; 1000 Genomes Project 30x 0.01140; TOPMed 0.01209.

Submission:

Illumina Laboratory Services, Illumina
Classification: Benign for Glucocorticoid deficiency 1. Last evaluated: 2018-01-12. Review status: criteria provided, single submitter. Criteria: ICSL Variant Classification Criteria 13 December 2019. Collection method: clinical testing. Allele origin: germline.
Comment: This variant was observed in the ICSL laboratory as part of a predisposition screen in an ostensibly healthy population. It had not been previously curated by ICSL or reported in the Human Gene Mutation Database (HGMD: prior to June 1st, 2018), and was therefore a candidate for classification through an automated scoring system. Utilizing variant allele frequency, disease prevalence and penetrance estimates, and inheritance mode, an automated score was calculated to assess if this variant is too frequent to cause the disease. Based on the score and internal cut-off values, a variant classified as benign is not then subjected to further curation. The score for this variant resulted in a classification of benign for this disease.